The following is an entry in ClinVar:

NM_002617.4(PEX10):c.8dup (p.Ala4fs)

Gene: PEX10 (peroxisomal biogenesis factor 10; minus strand). Cytogenetic location: 1p36.32.
Variant type: Duplication.
Coding change: c.8dup on transcript NM_002617.4 (MANE Select); coding-DNA position 8, one base duplicated (C; older notation c.8dupC).
Protein change: p.Ala4fs; shifts the reading frame from alanine 4.
Molecular consequence: frameshift variant. On other transcripts: intron variant (2).
Genome position (GRCh38, 1-based): chr1:2,412,495, G duplicated on the plus strand (C on the coding strand, the reverse complement: PEX10 is on the minus strand); the first of 4 consecutive G bases (chr1:2,412,495-2,412,498); duplicating any one gives the same sequence. VCF-style (leftmost placement, unchanged base first): chr1-2412494-C-CG. GRCh37 (hg19) VCF-style: chr1-2343933-C-CG.
Other names: c.8dup, p.Ala4fs (NM_001374425.1, NM_153818.2); c.-321+1102dup (NM_001374427.1, NM_001374426.1); short protein forms A4fs.
Identifiers: ClinVar variation 5011970 (VCV005011970.1).

ClinVar aggregate classification (germline): Pathogenic (1 of 4 stars; one submission).

Conditions:
Peroxisome biogenesis disorder. Identifiers: Orphanet 79189, MedGen C1832200, MONDO:0019234. Disease mechanism: loss of function.

Submission:

Myriad Genetics, Inc.
Classification: Pathogenic for Peroxisome biogenesis disorder. Last evaluated: 2023-09-27. Review status: criteria provided, single submitter. Criteria: Myriad Autosomal Dominant, Autosomal Recessive and X-Linked Classification Criteria (2023). Collection method: clinical testing. Allele origin: unknown.
Comment: NM_153818.1(PEX10):c.8dupC(A4Gfs*47) is expected to be pathogenic in the context of peroxisome biogenesis disorder type 6. This variant is predicted to lead to an abnormal or absent protein product due to the creation of a premature termination codon in PEX10, a gene where loss-of-function variants are known to be pathogenic. Please note: this variant was assessed in the context of healthy population screening.